The following is an entry in ClinVar:

NM_000062.3(SERPING1):c.614G>A (p.Cys205Tyr)

Gene: SERPING1 (serpin family G member 1; plus strand). Cytogenetic location: 11q12.1.
Variant type: single nucleotide variant.
Coding change: c.614G>A on transcript NM_000062.3 (MANE Select); coding-DNA position 614, G replaced by A.
Protein change: p.Cys205Tyr; replaces cysteine 205 with tyrosine.
Molecular consequence: missense variant.
Genome position (GRCh38, 1-based): chr11:57,602,098, G>A. VCF-style: chr11-57602098-G-A. GRCh37 (hg19) VCF-style: chr11-57369571-G-A.
Other names: c.614G>A, p.Cys205Tyr (NM_001032295.2); short protein forms C205Y.
Identifiers: ClinVar variation 1457822 (VCV001457822.8), dbSNP rs2135311313, ClinGen allele CA380697096.

ClinVar aggregate classification (germline): Pathogenic (1 of 4 stars; one submission).

Submission:

Labcorp Genetics (formerly Invitae), Labcorp
Classification: Pathogenic. Last evaluated: 2025-06-03. Review status: criteria provided, single submitter. Criteria: Invitae Variant Classification Sherloc (09022015). Collection method: clinical testing. Allele origin: germline.
Comment: This sequence change replaces cysteine, which is neutral and slightly polar, with tyrosine, which is neutral and polar, at codon 205 of the SERPING1 protein (p.Cys205Tyr). This variant is not present in population databases (gnomAD no frequency). This missense change has been observed in individuals with autosomal dominant hereditary angioedema (PMID: 10719305, 37620742; internal data). It has also been observed to segregate with disease in related individuals. This variant is also known as C183Y and the SERPING1 gene is also known as C1INH (C1 inhibitor). ClinVar contains an entry for this variant (Variation ID: 1457822). Invitae Evidence Modeling of protein sequence and biophysical properties (such as structural, functional, and spatial information, amino acid conservation, physicochemical variation, residue mobility, and thermodynamic stability) indicates that this missense variant is expected to disrupt SERPING1 protein function with a positive predictive value of 80%. For these reasons, this variant has been classified as Pathogenic.

Literature cited by the submitters: PubMed 10719305; PubMed 37620742.